The following is an entry in ClinVar:

NM_201384.3(PLEC):c.11905G>A (p.Ala3969Thr)

Gene: PLEC (plectin; minus strand). Cytogenetic location: 8q24.3.
Variant type: single nucleotide variant.
Coding change: c.11905G>A on transcript NM_201384.3 (MANE Select); coding-DNA position 11905, G replaced by A.
Protein change: p.Ala3969Thr; replaces alanine 3969 with threonine.
Molecular consequence: missense variant.
Genome position (GRCh38, 1-based): chr8:143,917,916, C>T on the plus strand (G>A on the coding strand, the complement: PLEC is on the minus strand). VCF-style: chr8-143917916-C-T. GRCh37 (hg19) VCF-style: chr8-144992084-C-T.
Other names: c.11986G>A, p.Ala3996Thr (NM_000445.5); c.11863G>A, p.Ala3955Thr (NM_201378.4); c.11839G>A, p.Ala3947Thr (NM_201379.3); c.12316G>A, p.Ala4106Thr (NM_201380.4); c.11809G>A, p.Ala3937Thr (NM_201381.3); c.11905G>A, p.Ala3969Thr (NM_201382.4); c.11917G>A, p.Ala3973Thr (NM_201383.3); short protein forms A3955T, A3969T, A3996T, A4106T, A3937T, A3947T, A3973T.
Identifiers: ClinVar variation 1499664 (VCV001499664.6), dbSNP rs1554673504, ClinGen allele CA372487563.

ClinVar aggregate classification (germline): Uncertain significance (1 of 4 stars; one submission).

Conditions:
Epidermolysis bullosa simplex 5B, with muscular dystrophy (EBS5B). Also called: Epidermolysis bullosa simplex with muscular dystrophy; EPIDERMOLYSIS BULLOSA SIMPLEX AND LIMB-GIRDLE MUSCULAR DYSTROPHY. Identifiers: Orphanet 257, MedGen C2931072, MONDO:0009181, OMIM 226670.
Autosomal recessive limb-girdle muscular dystrophy type 2Q (LGMDR17). Also called: MUSCULAR DYSTROPHY, LIMB-GIRDLE, AUTOSOMAL RECESSIVE 17. Identifiers: Orphanet 254361, MedGen C3150989, MONDO:0013390, OMIM 613723.
Epidermolysis bullosa simplex with nail dystrophy (EBS5D). Identifiers: MedGen C4225309, MONDO:0014661, OMIM 616487.
Epidermolysis bullosa simplex 5C, with pyloric atresia (EBS5C). Also called: Epidermolysis bullosa simplex with pyloric atresia; PLEC-Related Epidermolysis Bullosa with Pyloric Atresia; PLEC1-Related Epidermolysis Bullosa with Pyloric Atresia. Identifiers: Orphanet 158684, MedGen C2677349, MONDO:0012807, OMIM 612138.
Epidermolysis bullosa simplex, Ogna type (EBS5A). Also called: EPIDERMOLYSIS BULLOSA SIMPLEX 5A, OGNA TYPE; Pidermolysis bullosa simplex 5A, Ogna type. Identifiers: Orphanet 79401, MedGen C0432317, MONDO:0007555, OMIM 131950.

Allele frequency attached by ClinVar (database versions not stated): gnomAD exomes below 0.00001.
gnomAD v4.1: 2 of 1,613,214 alleles (0.00012%); highest among the groups gnomAD compares: Non-Finnish European, 0.00017%; no homozygotes.

Submission:

Labcorp Genetics (formerly Invitae), Labcorp
Classification: Uncertain significance for Autosomal recessive limb-girdle muscular dystrophy type 2Q; Epidermolysis bullosa simplex, Ogna type; Epidermolysis bullosa simplex with nail dystrophy; Epidermolysis bullosa simplex 5C, with pyloric atresia; Epidermolysis bullosa simplex 5B, with muscular dystrophy. Last evaluated: 2022-09-01. Review status: criteria provided, single submitter. Criteria: Invitae Variant Classification Sherloc (09022015). Collection method: clinical testing. Allele origin: germline.
Comment: In summary, the available evidence is currently insufficient to determine the role of this variant in disease. Therefore, it has been classified as a Variant of Uncertain Significance. This sequence change replaces alanine, which is neutral and non-polar, with threonine, which is neutral and polar, at codon 3996 of the PLEC protein (p.Ala3996Thr). This variant is present in population databases (no rsID available, gnomAD 0.0009%). This variant has not been reported in the literature in individuals affected with PLEC-related conditions. ClinVar contains an entry for this variant (Variation ID: 1499664). Algorithms developed to predict the effect of missense changes on protein structure and function (SIFT, PolyPhen-2, Align-GVGD) all suggest that this variant is likely to be disruptive.